The following is an entry in ClinVar:

ClinVar aggregate classification (germline): Likely benign (1 of 4 stars; one submission).

Conditions:
HTR2C-related disorder. Also called: HTR2C-related condition.

Submission:

PreventionGenetics, part of Exact Sciences
Classification: Likely benign for HTR2C-related condition. Last evaluated: 2026-07-01. Review status: criteria provided, single submitter. Criteria: ACMG Guidelines, 2015. Collection method: clinical testing. Allele origin: germline.
Comment: This variant is classified as likely benign based on ACMG/AMP sequence variant interpretation guidelines (Richards et al. 2015 PMID: 25741868, with internal and published modifications).

NM_000868.4(HTR2C):c.327G>T (p.Leu109=)

Gene: HTR2C (5-hydroxytryptamine receptor 2C; plus strand). Cytogenetic location: Xq23.
Variant type: single nucleotide variant.
Coding change: c.327G>T on transcript NM_000868.4 (MANE Select); coding-DNA position 327, G replaced by T.
Protein change: p.Leu109=; no amino-acid change (leucine 109 retained).
Molecular consequence: synonymous variant.
Genome position (GRCh38, 1-based): chrX:114,731,585, G>T. VCF-style: chrX-114731585-G-T. GRCh37 (hg19) VCF-style: chrX-113965994-G-T.
Other names: c.327G>T, p.Leu109= (NM_001256760.3, NM_001256761.3).
Identifiers: ClinVar variation 4991056 (VCV004991056.1).
Genomic context (GRCh38, chrX:114,731,585, plus strand): 5'-TTACTTCTTAATGTCCCTAGCCATTGCTGATATGCTAGTGGGACTACTTGTCATGCCCCT[G>T]TCTCTCCTGGCAATCCTTTATGGTAAGTACAATTTTATTCACTTTTCAATCTCGTATAAT-3'
Protein context (NP_000859.2, residues 99-119): DMLVGLLVMP[Leu109=]SLLAILYDYV